The following is an entry in ClinVar:

ClinVar aggregate classification (germline): Pathogenic (1 of 4 stars; one submission).

Conditions:
Multiple endocrine neoplasia, type 1 (MEN1). Also called: MEN I; WERMER SYNDROME; Endocrine adenomatosis multiple; MEN 1; MEA I. Identifiers: Orphanet 652, MedGen C0025267, MeSH D018761, MONDO:0007540, OMIM 131100.

Submission:

Labcorp Genetics (formerly Invitae), Labcorp
Classification: Pathogenic for Multiple endocrine neoplasia, type 1. Last evaluated: 2016-06-11. Review status: criteria provided, single submitter. Criteria: Invitae Variant Classification Sherloc (09022015). Collection method: clinical testing. Allele origin: germline.
Comment: This sequence change inserts 23 nucleotides in exon 10 of the MEN1 mRNA (c.1382_1404dup), causing a frameshift at codon 469. This creates a premature translational stop signal in the last exon of the MEN1 mRNA (p.Glu469Argfs*98). While this is not anticipated to result in nonsense mediated decay, it is expected to result in a truncated MEN1 protein, eliminating 142 C-terminal amino acid residues. This variant is not present in population databases (ExAC no frequency) and has not been reported in the literature in individuals with a MEN1-related disease. This frameshift truncates the functionally conserved nuclear localization signal of the MEN1 protein. Experimental studies have shown that disruption of this region abrogates the ability of MEN1 to bind DNA, regulate target gene expression, and inhibit cell proliferation (PMID: 15331604, 16449969). In addition, a different frameshift variant (p.Arg516Glyfs*43) with a premature termination codon downstream of this frameshift has been reported to be a common cause of multiple endocrine neoplasia type 1 (PMID: 17879353) In summary, this is a novel variant that truncates an important functional domain in MEN1. For this reason, it has been classified as Pathogenic.

Literature cited by the submitters: PubMed 15331604; PubMed 16449969; PubMed 17879353.

NM_001370259.2(MEN1):c.1382_1404dup (p.Glu469fs)

Gene: MEN1 (menin 1; minus strand). Cytogenetic location: 11q13.1.
Variant type: Duplication.
Coding change: c.1382_1404dup on transcript NM_001370259.2 (MANE Select); coding-DNA positions 1382 to 1404, 23 bases duplicated (AGGCCGAGGCGGCCGAGGCCGAG).
Protein change: p.Glu469fs; shifts the reading frame from glutamic acid 469.
Molecular consequence: frameshift variant.
Genome position (GRCh38, 1-based): chr11:64,804,763-64,804,785, CTCGGCCTCGGCCGCCTCGGCCT duplicated on the plus strand (AGGCCGAGGCGGCCGAGGCCGAG on the coding strand, the reverse complement: MEN1 is on the minus strand); duplicating any 23 consecutive bases within chr11:64,804,763-64,804,791 gives the same sequence; the c. name uses the placement nearest the transcript's 3' end. VCF-style (leftmost placement, unchanged base first): chr11-64804762-C-CCTCGGCCTCGGCCGCCTCGGCCT. GRCh37 (hg19) VCF-style: chr11-64572234-C-CCTCGGCCTCGGCCGCCTCGGCCT.
Other names: c.1397_1419dup, p.Glu474fs (NM_000244.4, NM_130800.3, NM_130801.3 and 3 more transcripts); c.1508_1530dup, p.Glu511fs (NM_001370251.2); c.1382_1404dup, p.Glu469fs (NM_001370260.2, NM_001370261.2, NM_130799.3); c.1277_1299dup, p.Glu434fs (NM_001370262.2, NM_001370263.2); short protein forms E434fs, E474fs, E469fs, E511fs.
Identifiers: ClinVar variation 403843 (VCV000403843.9), dbSNP rs1555163780, ClinGen allele CA16613611.
Genomic context (GRCh38, chr11:64,804,762, plus strand): 5'-GCTTGGACTCCCGCCGTGGGCCCCGCCGCCGGCCTTCCCGGGCTTCCTCGCCCCACGGCT[C>CCTCGGCCTCGGCCGCCTCGGCCT]CTCGGCCTCGGCCGCCTCGGCCTCTCGGCTCACTATGCGCACCTTCTGCCGCACCTGGGC-3'